The following is an entry in ClinVar:

ClinVar aggregate classification (germline): Likely pathogenic (1 of 4 stars; one submission).

Conditions:
PIK3CA constitutional syndrome.

Submission:

Laboratoire de Cytogenomique, Chu Angers
Classification: Likely pathogenic for PIK3CA constitutional syndrome. Last evaluated: 2026-03-28. Review status: criteria provided, single submitter. Criteria: ACMG Guidelines, 2015. Collection method: clinical testing. Allele origin: de novo. Affected: yes. Observed: 1 variant allele.
Comment: The PIK3CA NM_006218.4:c.3148G>A (p.Gly1050Ser) variant is a missense variant affecting the kinase domain of the p110α protein, a critical region involved in catalytic activity (PM1, PP2). This variant is absent from population databases (gnomAD v4) (PM2). Brain MRI revealed multiple abnormalities, including polymicrogyria, cerebral cavernous malformation, white matter abnormalities, venous anomalies, olfactory bulb hypoplasia, and a septum pellucidum cyst. Atrial septal defect was also reported. Variants affecting the kinase domain of PIK3CA, including nearby residues, have been previously reported in association with activating effects in both developmental disorders and cancer (PMID: 28151489; PMID: 29739933) (PP5_supporting). In summary, this variant is classified as likely pathogenic according to ACMG/AMP criteria: PM1, PM2, PM6, PP2, PP5_supporting.

Literature cited by the submitters: PubMed 28151489; PubMed 29739933.

NM_006218.4(PIK3CA):c.3148G>A (p.Gly1050Ser)

Gene: PIK3CA (phosphatidylinositol-4,5-bisphosphate 3-kinase catalytic subunit alpha; plus strand). Cytogenetic location: 3q26.32.
Variant type: single nucleotide variant.
Coding change: c.3148G>A on transcript NM_006218.4 (MANE Select); coding-DNA position 3148, G replaced by A.
Protein change: p.Gly1050Ser; replaces glycine 1050 with serine.
Molecular consequence: missense variant.
Genome position (GRCh38, 1-based): chr3:179,234,305, G>A. VCF-style: chr3-179234305-G-A. GRCh37 (hg19) VCF-style: chr3-178952093-G-A.
Other names: short protein forms G1050S.
Identifiers: ClinVar variation 4819970 (VCV004819970.1).